The following is an entry in ClinVar:

ClinVar aggregate classification (germline): Uncertain significance (1 of 4 stars; one submission).

Submission:

GeneDx
Classification: Uncertain significance. Last evaluated: 2024-05-01. Review status: criteria provided, single submitter. Criteria: GeneDx Variant Classification Process June 2021. Collection method: clinical testing. Allele origin: germline. Affected: yes.
Comment: Not observed at significant frequency in large population cohorts (gnomAD); In silico analysis supports that this missense variant has a deleterious effect on protein structure/function; Has not been previously published as pathogenic or benign to our knowledge

NM_170606.3(KMT2C):c.13178A>C (p.Asp4393Ala)

Gene: KMT2C (lysine methyltransferase 2C; minus strand). Cytogenetic location: 7q36.1.
Variant type: single nucleotide variant.
Coding change: c.13178A>C on transcript NM_170606.3 (MANE Select); coding-DNA position 13178, A replaced by C.
Protein change: p.Asp4393Ala; replaces aspartic acid 4393 with alanine.
Molecular consequence: missense variant.
Genome position (GRCh38, 1-based): chr7:152,148,749, T>G on the plus strand (A>C on the coding strand, the complement: KMT2C is on the minus strand). VCF-style: chr7-152148749-T-G. GRCh37 (hg19) VCF-style: chr7-151845834-T-G.
Other names: short protein forms D4393A.
Identifiers: ClinVar variation 3373369 (VCV003373369.1).
Genomic context (GRCh38, chr7:152,148,749, plus strand): 5'-GTCAATCCATCACCTTCTTCATGACAAAAGCAACATTTCCGATAGTCTTTGGGCACAGGA[T>G]CAGGTTTAAGGGAAGTGCCCAATTTCTTTAGAAATTCATCTATTTCATCCTCACAAGGTG-3'
Protein context (NP_733751.2, residues 4383-4403): LKKLGTSLKP[Asp4393Ala]PVPKDYRKCC